The following is an entry in ClinVar:

NM_001351169.2(NT5C2):c.465A>G (p.Thr155=)

Gene: NT5C2 (5'-nucleotidase, cytosolic II; minus strand). Cytogenetic location: 10q24.33.
Variant type: single nucleotide variant.
Coding change: c.465A>G on transcript NM_001351169.2 (MANE Select); coding-DNA position 465, A replaced by G.
Protein change: p.Thr155=; no amino-acid change (threonine 155 retained).
Molecular consequence: synonymous variant. On other transcripts: 5 prime UTR variant (20), intron variant (2).
Genome position (GRCh38, 1-based): chr10:103,101,251, T>C on the plus strand (A>G on the coding strand, the complement: NT5C2 is on the minus strand). VCF-style: chr10-103101251-T-C. GRCh37 (hg19) VCF-style: chr10-104861008-T-C.
Other names: c.465A>G, p.Thr155= (NM_001134373.3, NM_012229.5); c.489A>G, p.Thr163= (NM_001351170.2, NM_001351171.2, NM_001351172.2 and 1 more transcripts); c.378A>G, p.Thr126= (NM_001351174.1); c.372A>G, p.Thr124= (NM_001351175.2); c.-109A>G (NM_001351176.2, NM_001351177.2, NM_001351178.2 and 4 more transcripts); c.-301A>G (NM_001351179.2, NM_001351180.2, NM_001351182.2 and 4 more transcripts); c.-322A>G (NM_001351185.2, NM_001351187.2); c.-194A>G (NM_001351190.2); and 2 more.
Identifiers: ClinVar variation 1087408 (VCV001087408.10), dbSNP rs115843728, ClinGen allele CA5671087.

ClinVar aggregate classification (germline): Likely benign. Review status: criteria provided, multiple submitters, no conflicts (2 of 4 stars). 2 submissions from 2 submitters: Likely benign (2). Last evaluated 2026-08-01.

Conditions:
Hereditary spastic paraplegia 45. Also called: Spastic paraplegia 45, autosomal recessive; SPASTIC PARAPLEGIA 45. Identifiers: Orphanet 320396, MedGen C3888209, MONDO:0013165, OMIM 613162.

Allele frequency attached by ClinVar (database versions not stated): ExAC 0.00002; gnomAD exomes 0.00002 and 0.00003; TOPMed 0.00002; gnomAD 0.00004; 1000 Genomes Project 30x 0.00016; 1000 Genomes Project 0.00020.
gnomAD v4.1: 53 of 1,598,658 alleles (0.0033%); highest among the groups gnomAD compares: Non-Finnish European, 0.0044%; no homozygotes.

Submissions (2):

CeGaT Center for Human Genetics Tuebingen
Classification: Likely benign. Last evaluated: 2026-08-01. Review status: criteria provided, single submitter. Criteria: CeGaT Center For Human Genetics Tuebingen Variant Classification Criteria Version 2. Collection method: clinical testing. Allele origin: germline. Affected: yes. Observed: 1 variant allele.
Comment: NT5C2: BP4, BP7

Labcorp Genetics (formerly Invitae), Labcorp
Classification: Likely benign for Hereditary spastic paraplegia 45. Last evaluated: 2023-05-19. Review status: criteria provided, single submitter. Criteria: Invitae Variant Classification Sherloc (09022015). Collection method: clinical testing. Allele origin: germline.